The following is an entry in ClinVar:

NM_001085411.3(NADK2):c.648G>A (p.Trp216Ter)

Gene: NADK2 (NAD kinase 2, mitochondrial; minus strand). Cytogenetic location: 5p13.2.
Variant type: single nucleotide variant.
Coding change: c.648G>A on transcript NM_001085411.3 (MANE Select); coding-DNA position 648, G replaced by A.
Protein change: p.Trp216Ter; replaces tryptophan 216 with a stop codon.
Molecular consequence: nonsense.
Genome position (GRCh38, 1-based): chr5:36,217,881, C>T on the plus strand (G>A on the coding strand, the complement: NADK2 is on the minus strand). VCF-style: chr5-36217881-C-T. GRCh37 (hg19) VCF-style: chr5-36217983-C-T.
Other names: c.159G>A, p.Trp53Ter (NM_001287340.2, NM_001287341.2, NM_153013.5); short protein forms W216*, W53*.
Identifiers: ClinVar variation 4710311 (VCV004710311.1).

ClinVar aggregate classification (germline): Uncertain significance (1 of 4 stars; one submission).

Conditions:
Progressive encephalopathy with leukodystrophy due to DECR deficiency. Identifiers: OMIM 616034, Orphanet 431361, MedGen C1857252, MONDO:0014464.

gnomAD v4.1: 2 of 1,612,312 alleles (0.00012%); highest among the groups gnomAD compares: Non-Finnish European, 0.00017%; no homozygotes.

Submission:

Labcorp Genetics (formerly Invitae), Labcorp
Classification: Uncertain significance for Progressive encephalopathy with leukodystrophy due to DECR deficiency. Last evaluated: 2025-06-11. Review status: criteria provided, single submitter. Criteria: Invitae Variant Classification Sherloc (09022015). Collection method: clinical testing. Allele origin: germline.
Comment: This sequence change creates a premature translational stop signal (p.Trp216*) in the NADK2 gene. It is expected to result in an absent or disrupted protein product. However, the current clinical and genetic evidence is not sufficient to establish whether loss-of-function variants in NADK2 cause disease. This variant is not present in population databases (gnomAD no frequency). This variant has not been reported in the literature in individuals affected with NADK2-related conditions. In summary, the available evidence is currently insufficient to determine the role of this variant in disease. Therefore, it has been classified as a Variant of Uncertain Significance.